The following is an entry in ClinVar:

ClinVar aggregate classification (germline): Pathogenic. Review status: criteria provided, multiple submitters, no conflicts (2 of 4 stars). 2 submissions from 2 submitters: Pathogenic (2). Last evaluated 2022-06-13.

Submissions (2):

Labcorp Genetics (formerly Invitae), Labcorp
Classification: Pathogenic. Last evaluated: 2022-06-13. Review status: criteria provided, single submitter. Criteria: Invitae Variant Classification Sherloc (09022015). Collection method: clinical testing. Allele origin: germline.
Comment: For these reasons, this variant has been classified as Pathogenic. Algorithms developed to predict the effect of sequence changes on RNA splicing suggest that this variant may disrupt the consensus splice site. ClinVar contains an entry for this variant (Variation ID: 524024). This variant has not been reported in the literature in individuals affected with XPA-related conditions. This variant is not present in population databases (gnomAD no frequency). This sequence change creates a premature translational stop signal (p.Asp114Glyfs*10) in the XPA gene. It is expected to result in an absent or disrupted protein product. Loss-of-function variants in XPA are known to be pathogenic (PMID: 27607234).

GeneDx
Classification: Pathogenic. Last evaluated: 2018-03-16. Review status: criteria provided, single submitter. Criteria: GeneDx Variant Classification (06012015). Collection method: clinical testing. Allele origin: germline. Affected: yes.
Comment: The c.327_340dup14 variant in the XPA gene has not been reported previously as a pathogenic variant nor as a benign variant, to our knowledge. The c.327_340dup14 variant causes a frameshift starting with codon Aspartic acid 114, changes this amino acid to a Glycine residue, and creates a premature Stop codon at position 10 of the new reading frame, denoted p.Asp114GlyfsX10. This variant is predicted to cause loss of normal protein function either through protein truncation or nonsense-mediated mRNA decay. The c.327_340dup14 variant is not observed in large population cohorts (Lek et al., 2016). We interpret c.327_340dup14 as a pathogenic variant.

Literature cited by the submitters: PubMed 27607234 (cited by Labcorp Genetics (formerly Invitae), Labcorp).

NM_000380.4(XPA):c.327_340dup (p.Asp114fs)

Gene: XPA (XPA, DNA damage recognition and repair factor; minus strand). Cytogenetic location: 9q22.33.
Variant type: Duplication.
Coding change: c.327_340dup on transcript NM_000380.4 (MANE Select); coding-DNA positions 327 to 340, 14 bases duplicated (GAAAGAATTTATGG).
Protein change: p.Asp114fs; shifts the reading frame from aspartic acid 114.
Molecular consequence: frameshift variant. On other transcripts: non-coding transcript variant (2).
Genome position (GRCh38, 1-based): chr9:97,689,583-97,689,596, CCATAAATTCTTTC duplicated on the plus strand (GAAAGAATTTATGG on the coding strand, the reverse complement: XPA is on the minus strand); duplicating any 14 consecutive bases within chr9:97,689,583-97,689,599 gives the same sequence; the c. name uses the placement nearest the transcript's 3' end. VCF-style (leftmost placement, unchanged base first): chr9-97689582-T-TCCATAAATTCTTTC. GRCh37 (hg19) VCF-style: chr9-100451864-T-TCCATAAATTCTTTC.
Other names: c.201_214dup, p.Asp72fs (NM_001354975.2); c.327_340dupGAAAGAATTTATGG (NM_000380.3); short protein forms D72fs, D114fs.
Identifiers: ClinVar variation 524024 (VCV000524024.6), dbSNP rs1554701945, ClinGen allele CA658797252.